The following is an entry in ClinVar:

NM_017654.4(SAMD9):c.2256G>C (p.Trp752Cys)

Gene: SAMD9 (sterile alpha motif domain containing 9; minus strand). Cytogenetic location: 7q21.2.
Variant type: single nucleotide variant.
Coding change: c.2256G>C on transcript NM_017654.4 (MANE Select); coding-DNA position 2256, G replaced by C.
Protein change: p.Trp752Cys; replaces tryptophan 752 with cysteine.
Molecular consequence: missense variant.
Genome position (GRCh38, 1-based): chr7:93,103,842, C>G on the plus strand (G>C on the coding strand, the complement: SAMD9 is on the minus strand). VCF-style: chr7-93103842-C-G. GRCh37 (hg19) VCF-style: chr7-92733155-C-G.
Other names: c.2256G>C, p.Trp752Cys (NM_001193307.2); c.2256G>C (NM_017654.3); short protein forms W752C.
Identifiers: ClinVar variation 1984990 (VCV001984990.4), dbSNP rs1378693567, ClinGen allele CA368191858.
Genomic context (GRCh38, chr7:93,103,842, plus strand): 5'-TTCAGAAAAATCCACTGTCTTGTTTTTCAGCACAGCACATCTGAATTTCTTCCTTAGTTC[C>G]CAGAGAATGTGCATAGCCAAGGTAGTTCCCCCACAGCCTGGATGATGATACAGATGAATA-3'
Protein context (NP_060124.2, residues 742-762): GGTTLAMHIL[Trp752Cys]ELRKKFRCAV

ClinVar aggregate classification (germline): Uncertain significance. Review status: criteria provided, multiple submitters, no conflicts (2 of 4 stars). 2 submissions from 2 submitters: Uncertain significance (2). Last evaluated 2025-08-30.

Conditions:
Inborn genetic diseases. Identifiers: MedGen C0950123, MeSH D030342.

Allele frequency attached by ClinVar (database versions not stated): gnomAD 0.00001; TOPMed 0.00001.
gnomAD v4.1: 20 of 1,613,766 alleles (0.0012%); highest among the groups gnomAD compares: South Asian, 0.0066%; no homozygotes.

Submissions (2):

Labcorp Genetics (formerly Invitae), Labcorp
Classification: Uncertain significance. Last evaluated: 2025-08-30. Review status: criteria provided, single submitter. Criteria: Invitae Variant Classification Sherloc (09022015). Collection method: clinical testing. Allele origin: germline.
Comment: This sequence change replaces tryptophan, which is neutral and slightly polar, with cysteine, which is neutral and slightly polar, at codon 752 of the SAMD9 protein (p.Trp752Cys). This variant is present in population databases (no rsID available, gnomAD 0.003%). This variant has not been reported in the literature in individuals affected with SAMD9-related conditions. ClinVar contains an entry for this variant (Variation ID: 1984990). Invitae Evidence Modeling of protein sequence and biophysical properties (such as structural, functional, and spatial information, amino acid conservation, physicochemical variation, residue mobility, and thermodynamic stability) has been performed for this missense variant. However, the output from this modeling did not meet the statistical confidence thresholds required to predict the impact of this variant on SAMD9 protein function. In summary, the available evidence is currently insufficient to determine the role of this variant in disease. Therefore, it has been classified as a Variant of Uncertain Significance.

Ambry Genetics
Classification: Uncertain significance for Inborn genetic diseases. Last evaluated: 2024-12-09. Review status: criteria provided, single submitter. Criteria: Ambry Variant Classification Scheme 2023. Collection method: clinical testing. Allele origin: germline.
Comment: The p.W752C variant (also known as c.2256G>C), located in coding exon 1 of the SAMD9 gene, results from a G to C substitution at nucleotide position 2256. The tryptophan at codon 752 is replaced by cysteine, an amino acid with highly dissimilar properties. This amino acid position is conserved. In addition, this alteration is predicted to be deleterious by in silico analysis. Based on the available evidence, the clinical significance of this variant remains unclear.